The following is an entry in ClinVar:

ClinVar aggregate classification (germline): Uncertain significance (1 of 4 stars; one submission).

Conditions:
Hereditary cancer-predisposing syndrome. Also called: Hereditary Cancer Syndrome; Tumor predisposition; Hereditary neoplastic syndrome; Neoplastic Syndromes, Hereditary. Identifiers: Orphanet 140162, MedGen C0027672, MeSH D009386, MONDO:0015356.
Cardiovascular phenotype. Identifiers: MedGen CN230736.

Submission:

Ambry Genetics
Classification: Uncertain significance for Cardiovascular phenotype; Hereditary cancer-predisposing syndrome. Last evaluated: 2024-07-01. Review status: criteria provided, single submitter. Criteria: Ambry Variant Classification Scheme 2023. Collection method: clinical testing. Allele origin: germline.
Comment: The p.D1480E variant (also known as c.4440C>G), located in coding exon 33 of the NF1 gene, results from a C to G substitution at nucleotide position 4440. The aspartic acid at codon 1480 is replaced by glutamic acid, an amino acid with highly similar properties. This amino acid position is highly conserved in available vertebrate species. In addition, the in silico prediction for this alteration is inconclusive. Based on the available evidence, the clinical significance of this variant remains unclear.

NM_001042492.3(NF1):c.4503C>G (p.Asp1501Glu)

Gene: NF1 (neurofibromin 1; plus strand). Cytogenetic location: 17q11.2.
Variant type: single nucleotide variant.
Coding change: c.4503C>G on transcript NM_001042492.3 (MANE Select); coding-DNA position 4503, C replaced by G.
Protein change: p.Asp1501Glu; replaces aspartic acid 1501 with glutamic acid.
Molecular consequence: missense variant.
Genome position (GRCh38, 1-based): chr17:31,260,441, C>G. VCF-style: chr17-31260441-C-G. GRCh37 (hg19) VCF-style: chr17-29587459-C-G.
Other names: c.4440C>G, p.Asp1480Glu (NM_000267.4); short protein forms D1501E, D1480E.
Identifiers: ClinVar variation 3404631 (VCV003404631.1).